The following is an entry in ClinVar:

NM_004595.5(SMS):c.1096C>T (p.Pro366Ser)

Gene: SMS (spermine synthase; plus strand). Cytogenetic location: Xp22.11.
Variant type: single nucleotide variant.
Coding change: c.1096C>T on transcript NM_004595.5 (MANE Select); coding-DNA position 1096, C replaced by T.
Protein change: p.Pro366Ser; replaces proline 366 with serine.
Molecular consequence: missense variant.
Genome position (GRCh38, 1-based): chrX:21,994,346, C>T. VCF-style: chrX-21994346-C-T. GRCh37 (hg19) VCF-style: chrX-22012464-C-T.
Other names: c.937C>T, p.Pro313Ser (NM_001258423.2); short protein forms P366S, P313S.
Identifiers: ClinVar variation 1790695 (VCV001790695.2), dbSNP rs1925946962, ClinGen allele CA412572237.
Genomic context (GRCh38, chrX:21,994,346, plus strand): 5'-CTTTTATTCCTTGACTCCCTGTCCAGGTGGGTATTTTACACTGTTTGGAAGAAAGCTAAA[C>T]CCTGAAGATCAGTAGCCCCTAATCACATGTGCTGCAAATAGCCTTCCTGACCTCCATATG-3'
Protein context (NP_004586.2, residues 356-366): VFYTVWKKAK[Pro366Ser]

ClinVar aggregate classification (germline): Uncertain significance (1 of 4 stars; one submission).

Conditions:
Inborn genetic diseases. Identifiers: MedGen C0950123, MeSH D030342.

Allele frequency attached by ClinVar (database versions not stated): TOPMed 0.00001.

Submission:

Ambry Genetics
Classification: Uncertain significance for Inborn genetic diseases. Last evaluated: 2017-11-03. Review status: criteria provided, single submitter. Criteria: Ambry Variant Classification Scheme 2023. Collection method: clinical testing. Allele origin: germline.
Comment: The p.P366S variant (also known as c.1096C>T), located in coding exon 11 of the SMS gene, results from a C to T substitution at nucleotide position 1096. The proline at codon 366 is replaced by serine, an amino acid with similar properties. This amino acid position is not well conserved in available vertebrate species. In addition, this alteration is predicted to be tolerated by in silico analysis. Since supporting evidence is limited at this time, the clinical significance of this alteration remains unclear.